The following is an entry in ClinVar:

ClinVar aggregate classification (germline): Pathogenic/Likely pathogenic. Review status: criteria provided, multiple submitters, no conflicts (2 of 4 stars). 6 submissions from 6 submitters: Pathogenic (3); Likely pathogenic (2). 1 of the submissions does not count toward it. Last evaluated 2025-09-10.

Conditions:
Fraser syndrome 1 (FRASRS1). Also called: CRYPTOPHTHALMOS WITH OTHER MALFORMATIONS. Identifiers: Orphanet 2052, MedGen C4551480, MONDO:0054737, OMIM 219000.
FRAS1-related disorder. Also called: FRAS1-related condition.

Allele frequency attached by ClinVar (database versions not stated): gnomAD 0.00001; gnomAD exomes 0.00001 and 0.00003; TOPMed 0.00001.
gnomAD v4.1: 44 of 1,613,780 alleles (0.0027%); highest among the groups gnomAD compares: Non-Finnish European, 0.0033%; no homozygotes.

Submissions (6):

Genomic Medicine Center of Excellence, King Faisal Specialist Hospital and Research Centre
Classification: Pathogenic for Fraser syndrome 1. Last evaluated: 2025-09-10. Review status: criteria provided, single submitter. Criteria: ACMG Guidelines, 2015. Collection method: clinical testing. Allele origin: germline.

Gharavi Laboratory, Columbia University
Classification: Pathogenic for Fraser syndrome 1. Last evaluated: 2024-11-05. Review status: criteria provided, single submitter. Criteria: ACMG Guidelines, 2015. Collection method: case-control. Allele origin: germline. Affected: yes.
Comment: Compound heterozygote with NM_025074.7:c.4869delT

ENST00000264895

Blueprint Genetics
Classification: Likely pathogenic for FRAS1-related disorders. Last evaluated: 2024-10-01. Review status: criteria provided, single submitter. Criteria: ACMG Guidelines, 2015. Collection method: clinical testing. Allele origin: germline. Affected: yes. Observed: 5 variant alleles.

Fulgent Genetics
Classification: Likely pathogenic for Fraser syndrome 1. Last evaluated: 2024-05-07. Review status: criteria provided, single submitter. Criteria: ACMG Guidelines, 2015. Collection method: clinical testing. Allele origin: germline.

Labcorp Genetics (formerly Invitae), Labcorp
Classification: Pathogenic. Last evaluated: 2024-02-17. Review status: criteria provided, single submitter. Criteria: Invitae Variant Classification Sherloc (09022015). Collection method: clinical testing. Allele origin: germline.
Comment: This sequence change creates a premature translational stop signal (p.Arg2362*) in the FRAS1 gene. It is expected to result in an absent or disrupted protein product. Loss-of-function variants in FRAS1 are known to be pathogenic (PMID: 12766769, 18671281). This variant is present in population databases (rs777438557, gnomAD 0.002%). This variant has not been reported in the literature in individuals affected with FRAS1-related conditions. ClinVar contains an entry for this variant (Variation ID: 993017). For these reasons, this variant has been classified as Pathogenic.

Biochemical Molecular Genetic Laboratory, King Abdulaziz Medical City
Classification: Likely pathogenic for Fraser syndrome 1. Last evaluated: 2020-10-11. Review status: no assertion criteria provided. Collection method: clinical testing. Allele origin: germline. Affected: yes. Not counted in ClinVar's aggregate classification.

Literature cited by the submitters: PubMed 12766769 (cited by Labcorp Genetics (formerly Invitae), Labcorp); PubMed 18671281 (cited by Labcorp Genetics (formerly Invitae), Labcorp).

NM_025074.7(FRAS1):c.7084C>T (p.Arg2362Ter)

Gene: FRAS1 (Fraser extracellular matrix complex subunit 1; plus strand). Cytogenetic location: 4q21.21.
Variant type: single nucleotide variant.
Coding change: c.7084C>T on transcript NM_025074.7 (MANE Select); coding-DNA position 7084, C replaced by T.
Protein change: p.Arg2362Ter; replaces arginine 2362 with a stop codon.
Molecular consequence: nonsense.
Genome position (GRCh38, 1-based): chr4:78,466,262, C>T. VCF-style: chr4-78466262-C-T. GRCh37 (hg19) VCF-style: chr4-79387416-C-T.
Other names: short protein forms R2362*.
Identifiers: ClinVar variation 993017 (VCV000993017.11), dbSNP rs777438557, ClinGen allele CA99984844.